The following is an entry in ClinVar:

NM_006445.4(PRPF8):c.3285C>T (p.Ile1095=)

Gene: PRPF8 (pre-mRNA processing factor 8; minus strand). Cytogenetic location: 17p13.3.
Variant type: single nucleotide variant.
Coding change: c.3285C>T on transcript NM_006445.4 (MANE Select); coding-DNA position 3285, C replaced by T.
Protein change: p.Ile1095=; no amino-acid change (isoleucine 1095 retained).
Molecular consequence: synonymous variant.
Genome position (GRCh38, 1-based): chr17:1,674,456, G>A on the plus strand (C>T on the coding strand, the complement: PRPF8 is on the minus strand). VCF-style: chr17-1674456-G-A. GRCh37 (hg19) VCF-style: chr17-1577750-G-A.
Identifiers: ClinVar variation 4874994 (VCV004874994.2).

ClinVar aggregate classification (germline): Likely benign (1 of 4 stars; one submission).

gnomAD v4.1: 7 of 1,613,986 alleles (0.00043%); highest among the groups gnomAD compares: Admixed American, 0.0017%; no homozygotes.

Submission:

CeGaT Center for Human Genetics Tuebingen
Classification: Likely benign. Last evaluated: 2026-05-01. Review status: criteria provided, single submitter. Criteria: CeGaT Center For Human Genetics Tuebingen Variant Classification Criteria Version 2. Collection method: clinical testing. Allele origin: germline. Affected: yes. Observed: 1 variant allele.
Comment: PRPF8: BP4, BP7